The following is an entry in ClinVar:

ClinVar aggregate classification (germline): Uncertain significance (1 of 4 stars; one submission).

Conditions:
Severe combined immunodeficiency due to DNA-PKcs deficiency. Also called: IMMUNODEFICIENCY 26 WITH NEUROLOGIC ABNORMALITIES; Immunodeficiency 26 with or without neurologic abnormalities. Identifiers: Orphanet 317425, MedGen C4014833, MONDO:0014423, OMIM 615966.

Allele frequency attached by ClinVar (database versions not stated): TOPMed 0.00003; gnomAD 0.00005 and 0.00006; gnomAD exomes 0.00008; ExAC 0.00011.
gnomAD v4.1: 66 of 1,583,464 alleles (0.0042%); highest among the groups gnomAD compares: Admixed American, 0.018%; 1 homozygote.

Submission:

Labcorp Genetics (formerly Invitae), Labcorp
Classification: Uncertain significance for Severe combined immunodeficiency due to DNA-PKcs deficiency. Last evaluated: 2025-01-06. Review status: criteria provided, single submitter. Criteria: Invitae Variant Classification Sherloc (09022015). Collection method: clinical testing. Allele origin: germline.
Comment: This sequence change replaces valine, which is neutral and non-polar, with isoleucine, which is neutral and non-polar, at codon 2458 of the PRKDC protein (p.Val2458Ile). This variant is present in population databases (rs750283813, gnomAD 0.07%). This variant has not been reported in the literature in individuals affected with PRKDC-related conditions. ClinVar contains an entry for this variant (Variation ID: 1003123). Invitae Evidence Modeling of protein sequence and biophysical properties (such as structural, functional, and spatial information, amino acid conservation, physicochemical variation, residue mobility, and thermodynamic stability) indicates that this missense variant is not expected to disrupt PRKDC protein function with a negative predictive value of 80%. In summary, the available evidence is currently insufficient to determine the role of this variant in disease. Therefore, it has been classified as a Variant of Uncertain Significance.

NM_006904.7(PRKDC):c.7372G>A (p.Val2458Ile)

Gene: PRKDC (protein kinase, DNA-activated, catalytic subunit; minus strand). Cytogenetic location: 8q11.21.
Variant type: single nucleotide variant.
Coding change: c.7372G>A on transcript NM_006904.7 (MANE Select); coding-DNA position 7372, G replaced by A.
Protein change: p.Val2458Ile; replaces valine 2458 with isoleucine.
Molecular consequence: missense variant.
Genome position (GRCh38, 1-based): chr8:47,840,098, C>T on the plus strand (G>A on the coding strand, the complement: PRKDC is on the minus strand). VCF-style: chr8-47840098-C-T. GRCh37 (hg19) VCF-style: chr8-48752659-C-T.
Other names: c.7372G>A, p.Val2458Ile (NM_001081640.2); short protein forms V2458I.
Identifiers: ClinVar variation 1003123 (VCV001003123.5), dbSNP rs750283813, ClinGen allele CA4740125.
Genomic context (GRCh38, chr8:47,840,098, plus strand): 5'-TGAGAATATTATACATTTGTTCCCTACATGTTGTAGAAGGATGGGAAACGAATTCCACAA[C>T]GGGGTTCAGAAGTTCTCGGAGTTCTACTGGTTTTAACTTTGGCATCATCTTATAAATTAT-3'
Protein context (NP_008835.5, residues 2448-2468): PVELRELLNP[Val2458Ile]VEFVSHPSTT